The following is an entry in ClinVar:

ClinVar aggregate classification (germline): Conflicting classifications of pathogenicity. Review status: criteria provided, conflicting classifications (1 of 4 stars). 4 submissions from 3 submitters: Uncertain significance (1); Benign (2); Likely benign (1). Last evaluated 2025-10-18.

Conditions:
Hereditary angioedema type 3 (HAE3). Also called: HAE WITH NORMAL C1 INHIBITOR CONCENTRATION AND FUNCTION; ANGIONEUROTIC EDEMA, HEREDITARY, WITH NORMAL C1 INHIBITOR CONCENTRATION AND FUNCTION; ESTROGEN-RELATED HAE; ESTROGEN-SENSITIVE HAE. Identifiers: Orphanet 100054, MedGen C1857728, MONDO:0012526, OMIM 610618.
Factor XII deficiency disease. Also called: F12 DEFICIENCY; HAF DEFICIENCY; Congenital factor XII deficiency; Reduced factor XII activity. Identifiers: Orphanet 330, MedGen C0015526, MONDO:0009315, OMIM 234000, HP:0004841.

Allele frequency attached by ClinVar (database versions not stated): 1000 Genomes Project 30x 0.00016; TOPMed 0.00037; gnomAD 0.00078 and 0.00082.
gnomAD v4.1: 871 of 1,595,252 alleles (0.055%); highest among the groups gnomAD compares: Admixed American, 0.049%; 1 homozygote.

Submissions (4):

Labcorp Genetics (formerly Invitae), Labcorp
Classification: Benign. Last evaluated: 2025-10-18. Review status: criteria provided, single submitter. Criteria: Invitae Variant Classification Sherloc (09022015). Collection method: clinical testing. Allele origin: germline.

Blueprint Genetics
Classification: Likely benign. Last evaluated: 2024-11-15. Review status: criteria provided, single submitter. Criteria: ACMG Guidelines, 2015. Collection method: clinical testing. Allele origin: germline.

Illumina Laboratory Services, Illumina
Classification: Uncertain significance for Factor XII deficiency disease. Last evaluated: 2018-01-13. Review status: criteria provided, single submitter. Criteria: ICSL Variant Classification Criteria 13 December 2019. Collection method: clinical testing. Allele origin: germline.

Illumina Laboratory Services, Illumina
Classification: Benign for Hereditary angioedema type 3. Last evaluated: 2018-01-13. Review status: criteria provided, single submitter. Criteria: ICSL Variant Classification Criteria 13 December 2019. Collection method: clinical testing. Allele origin: germline.
Comment: This variant was observed in the ICSL laboratory as part of a predisposition screen in an ostensibly healthy population. It had not been previously curated by ICSL or reported in the Human Gene Mutation Database (HGMD: prior to June 1st, 2018), and was therefore a candidate for classification through an automated scoring system. Utilizing variant allele frequency, disease prevalence and penetrance estimates, and inheritance mode, an automated score was calculated to assess if this variant is too frequent to cause the disease. Based on the score and internal cut-off values, a variant classified as benign is not then subjected to further curation. The score for this variant resulted in a classification of benign for this disease.

NM_000505.4(F12):c.1018+12G>C

Gene: F12 (coagulation factor XII; minus strand). Cytogenetic location: 5q35.3.
Variant type: single nucleotide variant.
Coding change: c.1018+12G>C on transcript NM_000505.4 (MANE Select); 12 bases into the intron after coding-DNA position 1018, G replaced by C.
Molecular consequence: intron variant.
Genome position (GRCh38, 1-based): chr5:177,404,184, C>G on the plus strand (G>C on the coding strand, the complement: F12 is on the minus strand). VCF-style: chr5-177404184-C-G. GRCh37 (hg19) VCF-style: chr5-176831185-C-G.
Identifiers: ClinVar variation 352995 (VCV000352995.9), dbSNP rs758462343, ClinGen allele CA3581319.